The following is an entry in ClinVar:

NM_001082486.2(ACD):c.37A>T (p.Ile13Phe)

Gene: ACD (ACD shelterin complex subunit and telomerase recruitment factor; minus strand). Cytogenetic location: 16q22.1.
Variant type: single nucleotide variant.
Coding change: c.37A>T on transcript NM_001082486.2 (MANE Select); coding-DNA position 37, A replaced by T.
Protein change: p.Ile13Phe; replaces isoleucine 13 with phenylalanine.
Molecular consequence: missense variant.
Genome position (GRCh38, 1-based): chr16:67,660,184, T>A on the plus strand (A>T on the coding strand, the complement: ACD is on the minus strand). VCF-style: chr16-67660184-T-A. GRCh37 (hg19) VCF-style: chr16-67694087-T-A.
Other names: c.37A>T, p.Ile13Phe (NM_001410884.1, NM_022914.3); short protein forms I13F.
Identifiers: ClinVar variation 1798144 (VCV001798144.2), dbSNP rs1367481094, ClinGen allele CA396358433.

ClinVar aggregate classification (germline): Uncertain significance (1 of 4 stars; one submission).

Conditions:
Inborn genetic diseases. Identifiers: MedGen C0950123, MeSH D030342.

Allele frequency attached by ClinVar (database versions not stated): gnomAD exomes below 0.00001; gnomAD 0.00001; TOPMed 0.00001.

Submission:

Ambry Genetics
Classification: Uncertain significance for Inborn genetic diseases. Last evaluated: 2022-04-22. Review status: criteria provided, single submitter. Criteria: Ambry Variant Classification Scheme 2023. Collection method: clinical testing. Allele origin: germline.
Comment: The p.I99F variant (also known as c.295A>T), located in coding exon 1 of the ACD gene, results from an A to T substitution at nucleotide position 295. The isoleucine at codon 99 is replaced by phenylalanine, an amino acid with highly similar properties. This amino acid position is conserved. In addition, the in silico prediction for this alteration is inconclusive. Since supporting evidence is limited at this time, the clinical significance of this alteration remains unclear.